The following is an entry in ClinVar:

ClinVar aggregate classification (germline): Uncertain significance (1 of 4 stars; one submission).

Conditions:
Regional enteritis. Also called: Enteritis, Granulomatous. Identifiers: MedGen C0678202, MeSH D003424.
Blau syndrome (BLAUS). Also called: ARTHROCUTANEOUVEAL GRANULOMATOSIS; GRANULOMATOSIS, FAMILIAL JUVENILE SYSTEMIC; GRANULOMATOSIS, FAMILIAL, BLAU TYPE; GRANULOMATOUS INFLAMMATORY ARTHRITIS, DERMATITIS, AND UVEITIS, FAMILIAL; JABS SYNDROME. Identifiers: Orphanet 90340, MedGen C5201146, MONDO:0008523, OMIM 186580.

Submission:

Labcorp Genetics (formerly Invitae), Labcorp
Classification: Uncertain significance for Regional enteritis; Blau syndrome. Last evaluated: 2024-05-15. Review status: criteria provided, single submitter. Criteria: Invitae Variant Classification Sherloc (09022015). Collection method: clinical testing. Allele origin: germline.
Comment: This sequence change replaces alanine, which is neutral and non-polar, with valine, which is neutral and non-polar, at codon 946 of the NOD2 protein (p.Ala946Val). This variant is not present in population databases (gnomAD no frequency). This variant has not been reported in the literature in individuals affected with NOD2-related conditions. Advanced modeling of protein sequence and biophysical properties (such as structural, functional, and spatial information, amino acid conservation, physicochemical variation, residue mobility, and thermodynamic stability) performed at Invitae indicates that this missense variant is not expected to disrupt NOD2 protein function with a negative predictive value of 95%. In summary, the available evidence is currently insufficient to determine the role of this variant in disease. Therefore, it has been classified as a Variant of Uncertain Significance.

NM_001370466.1(NOD2):c.2756C>T (p.Ala919Val)

Gene: NOD2 (nucleotide binding oligomerization domain containing 2; plus strand). Cytogenetic location: 16q12.1.
Variant type: single nucleotide variant.
Coding change: c.2756C>T on transcript NM_001370466.1 (MANE Select); coding-DNA position 2756, C replaced by T.
Protein change: p.Ala919Val; replaces alanine 919 with valine.
Molecular consequence: missense variant. On other transcripts: non-coding transcript variant (1).
Genome position (GRCh38, 1-based): chr16:50,723,339, C>T. VCF-style: chr16-50723339-C-T. GRCh37 (hg19) VCF-style: chr16-50757250-C-T.
Other names: c.2756C>T, p.Ala919Val (NM_001293557.2); c.2837C>T, p.Ala946Val (NM_022162.3); short protein forms A919V, A946V.
Identifiers: ClinVar variation 3763185 (VCV003763185.2).
Genomic context (GRCh38, chr16:50,723,339, plus strand): 5'-TTTGTTCCATGATTACCTCCAGCCTGGTGGGGAACAACATTGGCAGTGTGGGTGCCCAAG[C>T]CTTGGCACTGATGCTGGCAAAGAACGTCATGCTAGAAGAACTCTGGTGAGTTTGGGGGAT-3'
Protein context (NP_001357395.1, residues 909-929): GNNIGSVGAQ[Ala919Val]LALMLAKNVM